The following is an entry in ClinVar:

NM_016284.5(CNOT1):c.3884A>G (p.Asn1295Ser)

Gene: CNOT1 (CCR4-NOT transcription complex subunit 1; minus strand). Cytogenetic location: 16q21.
Variant type: single nucleotide variant.
Coding change: c.3884A>G on transcript NM_016284.5 (MANE Select); coding-DNA position 3884, A replaced by G.
Protein change: p.Asn1295Ser; replaces asparagine 1295 with serine.
Molecular consequence: missense variant. On other transcripts: non-coding transcript variant (1).
Genome position (GRCh38, 1-based): chr16:58,546,443, T>C on the plus strand (A>G on the coding strand, the complement: CNOT1 is on the minus strand). VCF-style: chr16-58546443-T-C. GRCh37 (hg19) VCF-style: chr16-58580347-T-C.
Other names: c.3869A>G, p.Asn1290Ser (NM_001265612.2); c.3884A>G, p.Asn1295Ser (NM_206999.3); c.3884A>G (NM_016284.3); short protein forms N1290S, N1295S.
Identifiers: ClinVar variation 2415112 (VCV002415112.7), dbSNP rs750752069, ClinGen allele CA8089300.

ClinVar aggregate classification (germline): Uncertain significance. Review status: criteria provided, multiple submitters, no conflicts (2 of 4 stars). 2 submissions from 2 submitters: Uncertain significance (2). Last evaluated 2025-08-25.

Conditions:
Inborn genetic diseases. Identifiers: MedGen C0950123, MeSH D030342.

Allele frequency attached by ClinVar (database versions not stated): gnomAD 0.00001; gnomAD exomes 0.00001; TOPMed 0.00001; ExAC 0.00002.
gnomAD v4.1: 15 of 1,613,920 alleles (0.00093%); highest among the groups gnomAD compares: Middle Eastern, 0.016%; no homozygotes.

Submissions (2):

Ambry Genetics
Classification: Uncertain significance for Inborn genetic diseases. Last evaluated: 2025-08-25. Review status: criteria provided, single submitter. Criteria: Ambry Variant Classification Scheme 2023. Collection method: clinical testing. Allele origin: germline.

Labcorp Genetics (formerly Invitae), Labcorp
Classification: Uncertain significance. Last evaluated: 2022-04-06. Review status: criteria provided, single submitter. Criteria: Invitae Variant Classification Sherloc (09022015). Collection method: clinical testing. Allele origin: germline.
Comment: In summary, the available evidence is currently insufficient to determine the role of this variant in disease. Therefore, it has been classified as a Variant of Uncertain Significance. Algorithms developed to predict the effect of missense changes on protein structure and function (SIFT, PolyPhen-2, Align-GVGD) all suggest that this variant is likely to be tolerated. This variant has not been reported in the literature in individuals affected with CNOT1-related conditions. This variant is present in population databases (rs750752069, gnomAD 0.003%). This sequence change replaces asparagine, which is neutral and polar, with serine, which is neutral and polar, at codon 1290 of the CNOT1 protein (p.Asn1290Ser).